The following is an entry in ClinVar:

NM_003660.4(PPFIA3):c.3294G>C (p.Gln1098His)

Gene: PPFIA3 (PTPRF interacting protein alpha 3; plus strand). Cytogenetic location: 19q13.33.
Variant type: single nucleotide variant.
Coding change: c.3294G>C on transcript NM_003660.4 (MANE Select); coding-DNA position 3294, G replaced by C.
Protein change: p.Gln1098His; replaces glutamine 1098 with histidine.
Molecular consequence: missense variant. On other transcripts: non-coding transcript variant (1).
Genome position (GRCh38, 1-based): chr19:49,149,265, G>C. VCF-style: chr19-49149265-G-C. GRCh37 (hg19) VCF-style: chr19-49652522-G-C.
Other names: short protein forms Q1098H.
Identifiers: ClinVar variation 3897318 (VCV003897318.1).
Genomic context (GRCh38, chr19:49,149,265, plus strand): 5'-CCCACCTCGCAGACTGCACGCTCCAACCGCCCCCTCCACCTCCTCTTTCCAGGCCCGGCA[G>C]CTTCTGGAGAAGGAATTCAGCAACCTTATCTCCTTAGGCACAGACAGGCGGCTGGACGAG-3'
Protein context (NP_003651.1, residues 1088-1108): QIPTQNAQAR[Gln1098His]LLEKEFSNLI

ClinVar aggregate classification (germline): Uncertain significance (1 of 4 stars; one submission).

Submission:

GeneDx
Classification: Uncertain significance. Last evaluated: 2024-11-05. Review status: criteria provided, single submitter. Criteria: GeneDx Variant Classification Process June 2021. Collection method: clinical testing. Allele origin: germline. Affected: yes.
Comment: Not observed at significant frequency in large population cohorts (gnomAD); In silico analysis supports that this missense variant has a deleterious effect on protein structure/function; Has not been previously published as pathogenic or benign to our knowledge